The following is an entry in ClinVar:

NM_000256.3(MYBPC3):c.2256A>G (p.Thr752=)

Gene: MYBPC3 (myosin binding protein C3; minus strand). Cytogenetic location: 11p11.2.
Variant type: single nucleotide variant.
Coding change: c.2256A>G on transcript NM_000256.3 (MANE Select); coding-DNA position 2256, A replaced by G.
Protein change: p.Thr752=; no amino-acid change (threonine 752 retained).
Molecular consequence: synonymous variant.
Genome position (GRCh38, 1-based): chr11:47,338,572, T>C on the plus strand (A>G on the coding strand, the complement: MYBPC3 is on the minus strand). VCF-style: chr11-47338572-T-C. GRCh37 (hg19) VCF-style: chr11-47360123-T-C.
Identifiers: ClinVar variation 925825 (VCV000925825.11), dbSNP rs2095884961, ClinGen allele CA474216990.

ClinVar aggregate classification (germline): Likely benign. Review status: criteria provided, multiple submitters, no conflicts (2 of 4 stars). 3 submissions from 3 submitters: Likely benign (3). Last evaluated 2025-07-29.

Conditions:
Cardiomyopathy (CMYO). Also called: Cardiomyopathies. Identifiers: Orphanet 167848, MedGen C0878544, MONDO:0004994, HP:0001638. Inheritance: Various modes of inheritance.
Hypertrophic cardiomyopathy. Also called: HYPERTROPHIC MYOCARDIOPATHY. Identifiers: Orphanet 217569, MedGen C0007194, MeSH D002312, MONDO:0005045, HP:0001639.

Allele frequency attached by ClinVar (database versions not stated): gnomAD exomes below 0.00001.
gnomAD v4.1: 1 of 1,614,046 alleles (0.000062%); highest among the groups gnomAD compares: Non-Finnish European, 0.000085%; no homozygotes.

Submissions (3):

Labcorp Genetics (formerly Invitae), Labcorp
Classification: Likely benign for Hypertrophic cardiomyopathy. Last evaluated: 2025-07-29. Review status: criteria provided, single submitter. Criteria: Invitae Variant Classification Sherloc (09022015). Collection method: clinical testing. Allele origin: germline.

All of Us Research Program, National Institutes of Health
Classification: Likely benign for Hypertrophic cardiomyopathy. Last evaluated: 2024-06-11. Review status: criteria provided, single submitter. Criteria: ACMG Guidelines, 2015. Collection method: clinical testing. Allele origin: germline. Inheritance: Autosomal dominant inheritance. Observed: 1 variant allele, 1 heterozygote.
Comment: This study involves interpretation of variants in research participants for the purpose of population health screening. Participant phenotype was not available at the time of variant classification. Additional details can be found in publication PMID: 35346344, PMCID: PMC8962531

Color Diagnostics, LLC DBA Color Health
Classification: Likely benign for Cardiomyopathy. Last evaluated: 2019-06-03. Review status: criteria provided, single submitter. Criteria: ACMG Guidelines, 2015. Collection method: clinical testing. Allele origin: germline.